The following is an entry in ClinVar:

ClinVar aggregate classification (germline): Likely benign (0 of 4 stars; one submission).

Conditions:
CCND2-related disorder. Also called: CCND2-related condition.

Allele frequency attached by ClinVar (database versions not stated): TOPMed 0.00001; gnomAD 0.00002; gnomAD exomes 0.00004; ExAC 0.00013; 1000 Genomes Project 0.00020; 1000 Genomes Project 30x 0.00047.
gnomAD v4.1: 53 of 1,608,180 alleles (0.0033%); highest among the groups gnomAD compares: South Asian, 0.059%; no homozygotes.

Submission:

PreventionGenetics, part of Exact Sciences
Classification: Likely benign for CCND2-related condition. Last evaluated: 2019-06-28. Review status: no assertion criteria provided. Collection method: clinical testing. Allele origin: germline.
Comment: This variant is classified as likely benign based on ACMG/AMP sequence variant interpretation guidelines (Richards et al. 2015 PMID: 25741868, with internal and published modifications).

NM_001759.4(CCND2):c.572-4G>T

Gene: CCND2 (cyclin D2; plus strand). Cytogenetic location: 12p13.32.
Variant type: single nucleotide variant.
Coding change: c.572-4G>T on transcript NM_001759.4 (MANE Select); 4 bases into the intron before coding-DNA position 572, G replaced by T.
Molecular consequence: intron variant.
Genome position (GRCh38, 1-based): chr12:4,288,838, G>T. VCF-style: chr12-4288838-G-T. GRCh37 (hg19) VCF-style: chr12-4398004-G-T.
Identifiers: ClinVar variation 3043450 (VCV003043450.2), dbSNP rs567626308, ClinGen allele CA6395280.